The following is an entry in ClinVar:

NM_001042492.3(NF1):c.3250_3254dup (p.Gln1086fs)

Gene: NF1 (neurofibromin 1; plus strand). Cytogenetic location: 17q11.2.
Variant type: Duplication.
Coding change: c.3250_3254dup on transcript NM_001042492.3 (MANE Select); coding-DNA positions 3250 to 3254, 5 bases duplicated (CCTCT; older notation c.3250_3254dupCCTCT).
Protein change: p.Gln1086fs; shifts the reading frame from glutamine 1086.
Molecular consequence: frameshift variant.
Genome position (GRCh38, 1-based): chr17:31,232,125-31,232,129, CCTCT duplicated. VCF-style (leftmost placement, unchanged base first): chr17-31232124-C-CCCTCT. GRCh37 (hg19) VCF-style: chr17-29559142-C-CCCTCT.
Other names: c.3250_3254dup, p.Gln1086Leufs (NM_000267.4); short protein forms Q1086fs.
Identifiers: ClinVar variation 3891311 (VCV003891311.1).

ClinVar aggregate classification (germline): Pathogenic (1 of 4 stars; one submission).

Conditions:
Neurofibromatosis, type 1 (NF1). Also called: VON RECKLINGHAUSEN DISEASE; Peripheral type neurofibromatosis; Neurofibromatosis, type I; NEUROFIBROMATOSIS, TYPE I, SOMATIC. Identifiers: Orphanet 636, MedGen C0027831, MONDO:0018975, OMIM 162200. Disease mechanism: loss of function.

Submission:

Department of Medical Genetics, International Peace Maternity and Child Health Hospital, Shanghai Jiao Tong University School of Medicine
Classification: Pathogenic for Neurofibromatosis, type 1. Last evaluated: 2025-03-22. Review status: criteria provided, single submitter. Criteria: ACMG Guidelines, 2015. Collection method: clinical testing. Allele origin: de novo. Affected: yes.
Comment: Loss-of-function variants in NF1 are known to be pathogenic (PMID: 10712197, 23913538), so this variant has been classified as Pathogenic.

Literature cited by the submitters: PubMed 10712197; PubMed 23913538.